The following is an entry in ClinVar:

NM_004667.6(HERC2):c.13965C>A (p.Arg4655=)

Gene: HERC2 (HECT and RLD domain containing E3 ubiquitin protein ligase 2; minus strand). Cytogenetic location: 15q13.1.
Variant type: single nucleotide variant.
Coding change: c.13965C>A on transcript NM_004667.6 (MANE Select); coding-DNA position 13965, C replaced by A.
Protein change: p.Arg4655=; no amino-acid change (arginine 4655 retained).
Molecular consequence: synonymous variant.
Genome position (GRCh38, 1-based): chr15:28,113,627, G>T on the plus strand (C>A on the coding strand, the complement: HERC2 is on the minus strand). VCF-style: chr15-28113627-G-T. GRCh37 (hg19) VCF-style: chr15-28358773-G-T.
Identifiers: ClinVar variation 4084541 (VCV004084541.8).

ClinVar aggregate classification (germline): Likely benign (1 of 4 stars; one submission).

gnomAD v4.1: 3 of 1,614,082 alleles (0.00019%); highest among the groups gnomAD compares: Non-Finnish European, 0.00025%; no homozygotes.

Submission:

CeGaT Center for Human Genetics Tuebingen
Classification: Likely benign. Last evaluated: 2025-08-01. Review status: criteria provided, single submitter. Criteria: CeGaT Center For Human Genetics Tuebingen Variant Classification Criteria Version 2. Collection method: clinical testing. Allele origin: germline. Affected: yes. Observed: 1 variant allele.
Comment: HERC2: BP4, BP7